The following is an entry in ClinVar:

NM_176787.5(PIGN):c.1151C>T (p.Pro384Leu)

Gene: PIGN (phosphatidylinositol glycan anchor biosynthesis class N; minus strand). Cytogenetic location: 18q21.33.
Variant type: single nucleotide variant.
Coding change: c.1151C>T on transcript NM_176787.5 (MANE Select); coding-DNA position 1151, C replaced by T.
Protein change: p.Pro384Leu; replaces proline 384 with leucine.
Molecular consequence: missense variant.
Genome position (GRCh38, 1-based): chr18:62,138,264, G>A on the plus strand (C>T on the coding strand, the complement: PIGN is on the minus strand). VCF-style: chr18-62138264-G-A. GRCh37 (hg19) VCF-style: chr18-59805497-G-A.
Other names: c.1151C>T, p.Pro384Leu (NM_012327.6); short protein forms P384L.
Identifiers: ClinVar variation 1516181 (VCV001516181.6), dbSNP rs750379967, ClinGen allele CA8982374.

ClinVar aggregate classification (germline): Uncertain significance (1 of 4 stars; one submission).

Conditions:
Multiple congenital anomalies-hypotonia-seizures syndrome 1 (MCAHS1). Also called: GLYCOSYLPHOSPHATIDYLINOSITOL BIOSYNTHESIS DEFECT 3; PIGN-CDG; Congenital disorder of glycosylation due to PIGN deficiency. Identifiers: Orphanet 280633, MedGen C3279775, MONDO:0013563, OMIM 614080.

Allele frequency attached by ClinVar (database versions not stated): gnomAD exomes below 0.00001.
gnomAD v4.1: 1 of 1,547,080 alleles (0.000065%); highest among the groups gnomAD compares: Non-Finnish European, 0.000087%; no homozygotes.

Submission:

Labcorp Genetics (formerly Invitae), Labcorp
Classification: Uncertain significance for Multiple congenital anomalies-hypotonia-seizures syndrome 1. Last evaluated: 2021-03-12. Review status: criteria provided, single submitter. Criteria: Invitae Variant Classification Sherloc (09022015). Collection method: clinical testing. Allele origin: germline.
Comment: This variant has not been reported in the literature in individuals with PIGN-related conditions. Algorithms developed to predict the effect of missense changes on protein structure and function are either unavailable or do not agree on the potential impact of this missense change (SIFT: "Not Available"; PolyPhen-2: "Benign"; Align-GVGD: "Not Available"). In summary, the available evidence is currently insufficient to determine the role of this variant in disease. Therefore, it has been classified as a Variant of Uncertain Significance. The frequency data for this variant in the population databases is considered unreliable, as metrics indicate poor data quality at this position in the ExAC database. This sequence change replaces proline with leucine at codon 384 of the PIGN protein (p.Pro384Leu). The proline residue is moderately conserved and there is a moderate physicochemical difference between proline and leucine.